The following is an entry in ClinVar:

NM_004606.5(TAF1):c.297T>C (p.Asp99=)

Gene: TAF1 (TATA-box binding protein associated factor 1; plus strand). Cytogenetic location: Xq13.1.
Variant type: single nucleotide variant.
Coding change: c.297T>C on transcript NM_004606.5 (MANE Select); coding-DNA position 297, T replaced by C.
Protein change: p.Asp99=; no amino-acid change (aspartic acid 99 retained).
Molecular consequence: synonymous variant. On other transcripts: non-coding transcript variant (9).
Genome position (GRCh38, 1-based): chrX:71,368,115, T>C. VCF-style: chrX-71368115-T-C. GRCh37 (hg19) VCF-style: chrX-70587965-T-C.
Other names: c.297T>C, p.Asp99= (NM_001286074.2, NM_138923.4).
Identifiers: ClinVar variation 696740 (VCV000696740.50), dbSNP rs144106353, ClinGen allele CA10446546.
Genomic context (GRCh38, chrX:71,368,115, plus strand): 5'-GTGGGTTAGGAGTACAGAAGATGCTGTGGACTATTCAGACATCAATGAGGTGGCAGAAGA[T>C]GAAAGCCGAAGATACCAGCAGACGATGGGGAGCTTGCAGCCCCTTTGCCACTCAGGTGAT-3'
Protein context (NP_004597.3, residues 89-109): DYSDINEVAE[Asp99=]ESRRYQQTMG

ClinVar aggregate classification (germline): Likely benign. Review status: criteria provided, multiple submitters, no conflicts (2 of 4 stars). 3 submissions from 3 submitters: Likely benign (3). Last evaluated 2026-01-09.

Allele frequency attached by ClinVar (database versions not stated): 1000 Genomes Project 30x 0.00021; 1000 Genomes Project 0.00026; gnomAD 0.00035 and 0.00036; gnomAD exomes 0.00035 and 0.00050; TOPMed 0.00040; ExAC 0.00049; ESP Exome Variant Server 0.00085.
gnomAD v4.1: 573 of 1,210,631 alleles (0.047%); highest among the groups gnomAD compares: Non-Finnish European, 0.06%; no homozygotes.

Submissions (3):

Labcorp Genetics (formerly Invitae), Labcorp
Classification: Likely benign. Last evaluated: 2026-01-09. Review status: criteria provided, single submitter. Criteria: Invitae Variant Classification Sherloc (09022015). Collection method: clinical testing. Allele origin: germline.

Blueprint Genetics
Classification: Likely benign. Last evaluated: 2024-11-04. Review status: criteria provided, single submitter. Criteria: ACMG Guidelines, 2015. Collection method: clinical testing. Allele origin: germline.

CeGaT Center for Human Genetics Tuebingen
Classification: Likely benign. Last evaluated: 2023-05-01. Review status: criteria provided, single submitter. Criteria: CeGaT Center For Human Genetics Tuebingen Variant Classification Criteria Version 2. Collection method: clinical testing. Allele origin: germline. Affected: yes. Observed: 5 variant alleles.
Comment: TAF1: BP4, BS2